The following is an entry in ClinVar:

NC_000001.10:g.(?_12020683)_(12027168_?)dup

Gene: PLOD1 (procollagen-lysine,2-oxoglutarate 5-dioxygenase 1; plus strand). Cytogenetic location: 1p36.22.
Variant type: Duplication.
Identifiers: ClinVar variation 1413244 (VCV001413244.7).

ClinVar aggregate classification (germline): Pathogenic (1 of 4 stars; one submission).

Conditions:
Ehlers-Danlos syndrome, kyphoscoliotic type 1 (EDSKSCL1). Also called: EHLERS-DANLOS SYNDROME, OCULAR-SCOLIOTIC TYPE; Ehlers-Danlos syndrome, hydroxylysine-deficient; EHLERS-DANLOS SYNDROME, TYPE VIA; PLOD1-Related Kyphoscoliotic Ehlers-Danlos Syndrome. Identifiers: Orphanet 1900, MedGen C0268342, MONDO:0016002, OMIM 225400. Disease mechanism: loss of function.

Submission:

Labcorp Genetics (formerly Invitae), Labcorp
Classification: Pathogenic for Ehlers-Danlos syndrome, kyphoscoliotic type 1. Last evaluated: 2024-01-16. Review status: criteria provided, single submitter. Criteria: Invitae Variant Classification Sherloc (09022015). Collection method: clinical testing. Allele origin: germline.
Comment: This variant results in a copy number gain of the genomic region encompassing exon(s) 10-16 of the PLOD1 gene. While the exact position of this variant cannot be determined from the data, sub-genic copy number gains are generally in tandem (PMID: 25640679). This variant is predicted to be in-frame, and likely preserves the integrity of the reading frame. A similar copy number variant has been observed in individuals with Ehlers-Danlos syndrome (PMID: 7977351, 8981946, 19320026, 25277362). Experimental studies and prediction algorithms are not available or were not evaluated, and the functional significance of this variant is currently unknown. For these reasons, this variant has been classified as Pathogenic.

Literature cited by the submitters: PubMed 25640679; PubMed 7977351; PubMed 8981946; PubMed 19320026; PubMed 25277362.